The following is an entry in ClinVar:

NM_001258392.3(CLPB):c.1958T>C (p.Ile653Thr)

Gene: CLPB (ClpB family mitochondrial disaggregase; minus strand). Cytogenetic location: 11q13.4.
Variant type: single nucleotide variant.
Coding change: c.1958T>C on transcript NM_001258392.3 (MANE Select); coding-DNA position 1958, T replaced by C.
Protein change: p.Ile653Thr; replaces isoleucine 653 with threonine.
Molecular consequence: missense variant.
Genome position (GRCh38, 1-based): chr11:72,293,443, A>G on the plus strand (T>C on the coding strand, the complement: CLPB is on the minus strand). VCF-style: chr11-72293443-A-G. GRCh37 (hg19) VCF-style: chr11-72004487-A-G.
Other names: p.Ile683Thr; c.1871T>C, p.Ile624Thr (NM_001258393.3); c.1913T>C, p.Ile638Thr (NM_001258394.3); c.2048T>C, p.Ile683Thr (NM_030813.6); c.2048T>C (NM_030813.3); short protein forms I638T, I683T, I624T, I653T.
Identifiers: ClinVar variation 644706 (VCV000644706.15), dbSNP rs144777839, ClinGen allele CA6170983.

ClinVar aggregate classification (germline): Uncertain significance. Review status: criteria provided, multiple submitters, no conflicts (2 of 4 stars). 6 submissions from 6 submitters: Uncertain significance (6). Last evaluated 2026-05-01.

Conditions:
Inborn genetic diseases. Identifiers: MedGen C0950123, MeSH D030342.
3-methylglutaconic aciduria, type VIIB (MGCA7B). Also called: 3-methylglutaconic aciduria, type VII, with cataracts, neurologic involvement and neutropenia; CLPB Deficiency; 3-methylglutaconic aciduria with cataracts, neurologic involvement and neutropenia. Identifiers: Orphanet 445038, MedGen C5676893, MONDO:0014561, OMIM 616271.

Allele frequency attached by ClinVar (database versions not stated): gnomAD 0.00051 and 0.00048; gnomAD exomes 0.00075 and 0.00031; ExAC 0.00039; ESP Exome Variant Server 0.00039; TOPMed 0.00042.

Submissions (6):

CeGaT Center for Human Genetics Tuebingen
Classification: Uncertain significance. Last evaluated: 2026-05-01. Review status: criteria provided, single submitter. Criteria: CeGaT Center For Human Genetics Tuebingen Variant Classification Criteria Version 2. Collection method: clinical testing. Allele origin: germline. Affected: yes. Observed: 1 variant allele.
Comment: CLPB: PM2

GeneDx
Classification: Uncertain significance. Last evaluated: 2026-04-23. Review status: criteria provided, single submitter. Criteria: GeneDx Variant Classification Process June 2021. Collection method: clinical testing. Allele origin: germline.
Comment: Reported in a patient with schizophrenia; however, additional clinical information was not included (PMID: 26740555); In silico analysis suggests that this missense variant does not alter protein structure/function; This variant is associated with the following publications: (PMID: 28719003, 26740555)

Labcorp Genetics (formerly Invitae), Labcorp
Classification: Uncertain significance for 3-methylglutaconic aciduria, type VIIB. Last evaluated: 2026-02-01. Review status: criteria provided, single submitter. Criteria: Invitae Variant Classification Sherloc (09022015). Collection method: clinical testing. Allele origin: germline.
Comment: This sequence change replaces isoleucine, which is neutral and non-polar, with threonine, which is neutral and polar, at codon 683 of the CLPB protein (p.Ile683Thr). This variant is present in population databases (rs144777839, gnomAD 0.06%). This variant has not been reported in the literature in individuals affected with CLPB-related conditions. ClinVar contains an entry for this variant (Variation ID: 644706). An algorithm developed to predict the effect of missense changes on protein structure and function (PolyPhen-2) suggests that this variant is likely to be tolerated. In summary, the available evidence is currently insufficient to determine the role of this variant in disease. Therefore, it has been classified as a Variant of Uncertain Significance.

Blueprint Genetics
Classification: Uncertain significance. Last evaluated: 2024-11-21. Review status: criteria provided, single submitter. Criteria: ACMG Guidelines, 2015. Collection method: clinical testing. Allele origin: germline.

Ambry Genetics
Classification: Uncertain significance for Inborn genetic diseases. Last evaluated: 2022-11-19. Review status: criteria provided, single submitter. Criteria: Ambry Variant Classification Scheme 2023. Collection method: clinical testing. Allele origin: germline.

Mayo Clinic Laboratories, Mayo Clinic
Classification: Uncertain significance. Last evaluated: 2022-11-18. Review status: criteria provided, single submitter. Criteria: ACMG Guidelines, 2015. Collection method: clinical testing. Allele origin: germline. Observed: 1 variant allele.
Comment: BP4